The following is an entry in ClinVar:

ClinVar aggregate classification (germline): Uncertain significance (1 of 4 stars; one submission).

Submission:

Labcorp Genetics (formerly Invitae), Labcorp
Classification: Uncertain significance. Last evaluated: 2025-04-21. Review status: criteria provided, single submitter. Criteria: Invitae Variant Classification Sherloc (09022015). Collection method: clinical testing. Allele origin: germline.
Comment: This sequence change falls in intron 15 of the MYH3 gene. It does not directly change the encoded amino acid sequence of the MYH3 protein. Information on the frequency of this variant in the gnomAD database is not available, as this variant may be reported differently in the database. This variant has not been reported in the literature in individuals affected with MYH3-related conditions. Experimental studies and prediction algorithms are not available or were not evaluated, and the effect of this variant on mRNA splicing is currently unknown. In summary, the available evidence is currently insufficient to determine the role of this variant in disease. Therefore, it has been classified as a Variant of Uncertain Significance.

NM_002470.4(MYH3):c.1581+12_1581+13delinsTC

Gene: MYH3 (myosin heavy chain 3; minus strand). Cytogenetic location: 17p13.1.
Variant type: Indel.
Coding change: c.1581+12_1581+13delinsTC on transcript NM_002470.4 (MANE Select); bases 12 to 13 of the intron after coding-DNA position 1581, CA replaced by TC.
Molecular consequence: intron variant.
Genome position (GRCh38, 1-based): chr17:10,642,813-10,642,814, TG replaced by GA on the plus strand (CA replaced by TC on the coding strand, the reverse complement: MYH3 is on the minus strand). VCF-style: chr17-10642813-TG-GA. GRCh37 (hg19) VCF-style: chr17-10546130-TG-GA.
Identifiers: ClinVar variation 4718055 (VCV004718055.1).